The following is an entry in ClinVar:

NM_005257.6(GATA6):c.565del (p.Val189fs)

Gene: GATA6 (GATA binding protein 6; plus strand). Cytogenetic location: 18q11.2.
Variant type: Deletion.
Coding change: c.565del on transcript NM_005257.6 (MANE Select); coding-DNA position 565, one base deleted (G; older notation c.565delG).
Protein change: p.Val189fs; shifts the reading frame from valine 189.
Molecular consequence: frameshift variant.
Genome position (GRCh38, 1-based): chr18:22,171,709, G deleted. VCF-style (leftmost placement, unchanged base first): chr18-22171708-CG-C. GRCh37 (hg19) VCF-style: chr18-19751669-CG-C.
Other names: short protein forms V189fs.
Identifiers: ClinVar variation 4888430 (VCV004888430.1).

ClinVar aggregate classification (germline): Likely pathogenic (1 of 4 stars; one submission).

Conditions:
GATA6-related congenital heart disease with or without pancreatic hypoplasia or diabetes. Also called: GATA6-related congenital heart disease with or without pancreatic agenesis or neonatal diabetes. Identifiers: MedGen CN377182, MONDO:0100540.

Submission:

MVZ Praenatalmedizin und Genetik Nuernberg
Classification: Likely pathogenic for GATA6-related congenital heart disease with or without pancreatic hypoplasia or diabetes. Last evaluated: 2026-05-06. Review status: criteria provided, single submitter. Criteria: ACMG Guidelines, 2015. Collection method: clinical testing. Allele origin: germline. Affected: yes.
Comment: This very rare variant (gnomAD v4: 0 alleles) causes a frameshift in exon 2 of 7, as well as a premature stop codon, resulting in a loss of function. The variant is not listed in ClinVar; however, a large number of downstream loss-of-function variants in this gene are classified as likely pathogenic or pathogenic. Based on current data, we assess this to be a likely pathogenic genetic variant.